The following is an entry in ClinVar:

NM_001178015.2(SLC4A10):c.49-62216T>G

Gene: SLC4A10 (solute carrier family 4 member 10; plus strand). Cytogenetic location: 2q24.2.
Variant type: single nucleotide variant.
Coding change: c.49-62216T>G on transcript NM_001178015.2 (MANE Select); 62216 bases into the intron before coding-DNA position 49, T replaced by G.
Molecular consequence: intron variant. On other transcripts: synonymous variant (5), 5 prime UTR variant (2).
Genome position (GRCh38, 1-based): chr2:161,708,757, T>G. VCF-style: chr2-161708757-T-G. GRCh37 (hg19) VCF-style: chr2-162565267-T-G.
Other names: c.49-62216T>G (NM_022058.4, NM_001354450.2, NM_001354446.2 and 5 more transcripts); c.9T>G, p.Ser3= (NM_001354442.2, NM_001354445.2, NM_001354448.2 and 2 more transcripts); c.-123T>G (NM_001354447.2, NM_001354461.2); c.-50-1861T>G (NM_001354460.2, NM_001354443.2); c.-637-62216T>G (NM_001354455.2).
Identifiers: ClinVar variation 3777775 (VCV003777775.7).

ClinVar aggregate classification (germline): Likely benign (1 of 4 stars; one submission).

gnomAD v4.1: 2,178 of 1,532,344 alleles (0.14%); highest among the groups gnomAD compares: Middle Eastern, 1.2%; 5 homozygotes.

Submission:

CeGaT Center for Human Genetics Tuebingen
Classification: Likely benign. Last evaluated: 2026-03-01. Review status: criteria provided, single submitter. Criteria: CeGaT Center For Human Genetics Tuebingen Variant Classification Criteria Version 2. Collection method: clinical testing. Allele origin: germline. Affected: yes. Observed: 2 variant alleles.
Comment: SLC4A10: BP4, BP7